The following is an entry in ClinVar:

ClinVar aggregate classification (germline): Uncertain significance (1 of 4 stars; one submission).

Allele frequency attached by ClinVar (database versions not stated): gnomAD exomes below 0.00001.
gnomAD v4.1: 1 of 1,614,024 alleles (0.000062%); highest among the groups gnomAD compares: Non-Finnish European, 0.000085%; no homozygotes.

Submission:

Labcorp Genetics (formerly Invitae), Labcorp
Classification: Uncertain significance. Last evaluated: 2023-07-21. Review status: criteria provided, single submitter. Criteria: Invitae Variant Classification Sherloc (09022015). Collection method: clinical testing. Allele origin: germline.
Comment: In summary, the available evidence is currently insufficient to determine the role of this variant in disease. Therefore, it has been classified as a Variant of Uncertain Significance. An algorithm developed to predict the effect of missense changes on protein structure and function (PolyPhen-2) suggests that this variant is likely to be tolerated. ClinVar contains an entry for this variant (Variation ID: 2063772). This variant has not been reported in the literature in individuals affected with ITGAM-related conditions. This variant is not present in population databases (gnomAD no frequency). This sequence change replaces valine, which is neutral and non-polar, with leucine, which is neutral and non-polar, at codon 234 of the ITGAM protein (p.Val234Leu).

NM_000632.4(ITGAM):c.700G>C (p.Val234Leu)

Gene: ITGAM (integrin subunit alpha M; plus strand). Cytogenetic location: 16p11.2.
Variant type: single nucleotide variant.
Coding change: c.700G>C on transcript NM_000632.4 (MANE Select); coding-DNA position 700, G replaced by C.
Protein change: p.Val234Leu; replaces valine 234 with leucine.
Molecular consequence: missense variant.
Genome position (GRCh38, 1-based): chr16:31,271,988, G>C. VCF-style: chr16-31271988-G-C. GRCh37 (hg19) VCF-style: chr16-31283309-G-C.
Other names: c.700G>C, p.Val234Leu (NM_001145808.2); short protein forms V234L.
Identifiers: ClinVar variation 2063772 (VCV002063772.4), dbSNP rs2544382450, ClinGen allele CA395692606.
Genomic context (GRCh38, chr16:31,271,988, plus strand): 5'-CTGGTGAAGCCAATAACGCAGCTGCTTGGGCGGACACACACGGCCACGGGCATCCGCAAA[G>C]TGGTGTAAGCTTCCCCTTTTCCCTTAGGATGGAGGGAGGAGGAGACACTTTTAGCTGGGC-3'
Protein context (NP_000623.2, residues 224-244): RTHTATGIRK[Val234Leu]VRELFNITNG